The following is an entry in ClinVar:

NM_001388492.1(HTT):c.2237-3C>T

Gene: HTT (huntingtin; plus strand). Cytogenetic location: 4p16.3.
Variant type: single nucleotide variant.
Coding change: c.2237-3C>T on transcript NM_001388492.1 (MANE Select); 3 bases into the intron before coding-DNA position 2237, C replaced by T.
Molecular consequence: intron variant.
Genome position (GRCh38, 1-based): chr4:3,132,559, C>T. VCF-style: chr4-3132559-C-T. GRCh37 (hg19) VCF-style: chr4-3134286-C-T.
Other names: c.2237-3C>T (NM_002111.8).
Identifiers: ClinVar variation 1348091 (VCV001348091.6), dbSNP rs372077383, ClinGen allele CA2823789.
Genomic context (GRCh38, chr4:3,132,559, plus strand): 5'-TGTTTCGAGTTAGAAAGTTGATAGTAGGGAATTGTTCCATGGCTGAGCAATTTATCTCCA[C>T]AGAGGAACAGTATGTCTCAGACATCTTGAACTACATCGATCATGGAGACCCACAGGTTCG-3'

ClinVar aggregate classification (germline): Uncertain significance (1 of 4 stars; one submission).

Allele frequency attached by ClinVar (database versions not stated): TOPMed below 0.00001; gnomAD exomes 0.00001; ExAC 0.00002; gnomAD 0.00002; ESP Exome Variant Server 0.00008.
gnomAD v4.1: 22 of 1,613,062 alleles (0.0014%); highest among the groups gnomAD compares: Non-Finnish European, 0.0018%; no homozygotes.

Submission:

Labcorp Genetics (formerly Invitae), Labcorp
Classification: Uncertain significance. Last evaluated: 2022-06-27. Review status: criteria provided, single submitter. Criteria: Invitae Variant Classification Sherloc (09022015). Collection method: clinical testing. Allele origin: germline.
Comment: In summary, the available evidence is currently insufficient to determine the role of this variant in disease. Therefore, it has been classified as a Variant of Uncertain Significance. Variants that disrupt the consensus splice site are a relatively common cause of aberrant splicing (PMID: 17576681, 9536098). Experimental studies and prediction algorithms are not available or were not evaluated, and the effect of this variant on mRNA splicing is currently unknown. This variant has not been reported in the literature in individuals affected with HTT-related conditions. This variant is present in population databases (rs372077383, gnomAD 0.002%). This sequence change falls in intron 16 of the HTT gene. It does not directly change the encoded amino acid sequence of the HTT protein. It affects a nucleotide within the consensus splice site.

Literature cited by the submitters: PubMed 17576681; PubMed 9536098.